The following is an entry in ClinVar:

ClinVar aggregate classification (germline): Uncertain significance (1 of 4 stars; one submission).

Conditions:
Pyruvate carboxylase deficiency. Also called: PC DEFICIENCY; ATAXIA WITH LACTIC ACIDOSIS II; LEIGH NECROTIZING ENCEPHALOPATHY DUE TO PYRUVATE CARBOXYLASE DEFICIENCY; LEIGH SYNDROME DUE TO PYRUVATE CARBOXYLASE DEFICIENCY; Pyruvate Carboxylase Deficiency Disease. Identifiers: Orphanet 3008, MedGen C0034341, MONDO:0009949, OMIM 266150.

gnomAD v4.1: 2 of 1,614,082 alleles (0.00012%); highest among the groups gnomAD compares: Non-Finnish European, 0.00017%; no homozygotes.

Submission:

Myriad Genetics, Inc.
Classification: Uncertain significance for Pyruvate carboxylase deficiency. Last evaluated: 2025-08-27. Review status: criteria provided, single submitter. Criteria: Myriad Autosomal Dominant, Autosomal Recessive and X-Linked Classification Criteria (2023). Collection method: clinical testing. Allele origin: unknown.
Comment: NM_000920.3(PC):c.2576C>T(S859L) is a missense variant classified as a variant of uncertain significance in the context of pyruvate carboxylase deficiency. S859L has been observed in a case with relevant disease (PMID: 37207470). Relevant functional assessments of this variant are not available in the literature. S859L has not been observed in referenced population frequency databases. In summary, there is insufficient evidence to classify NM_000920.3(PC):c.2576C>T(S859L) as pathogenic or benign. Please note: this variant was assessed in the context of healthy population screening.

Literature cited by the submitters: PubMed 37207470.

NM_001040716.2(PC):c.2576C>T (p.Ser859Leu)

Gene: PC (pyruvate carboxylase; minus strand). Cytogenetic location: 11q13.2.
Variant type: single nucleotide variant.
Coding change: c.2576C>T on transcript NM_001040716.2 (MANE Select); coding-DNA position 2576, C replaced by T.
Protein change: p.Ser859Leu; replaces serine 859 with leucine.
Molecular consequence: missense variant.
Genome position (GRCh38, 1-based): chr11:66,850,362, G>A on the plus strand (C>T on the coding strand, the complement: PC is on the minus strand). VCF-style: chr11-66850362-G-A. GRCh37 (hg19) VCF-style: chr11-66617833-G-A.
Other names: c.2576C>T, p.Ser859Leu (NM_000920.4, NM_001439352.1, NM_001439353.1 and 5 more transcripts); short protein forms S859L.
Identifiers: ClinVar variation 5003390 (VCV005003390.1).